The following is an entry in ClinVar:

NM_003716.4(CADPS):c.4003G>A (p.Gly1335Arg)

Gene: CADPS (calcium dependent secretion activator; minus strand). Cytogenetic location: 3p14.2.
Variant type: single nucleotide variant.
Coding change: c.4003G>A on transcript NM_003716.4 (MANE Select); coding-DNA position 4003, G replaced by A.
Protein change: p.Gly1335Arg; replaces glycine 1335 with arginine.
Molecular consequence: missense variant.
Genome position (GRCh38, 1-based): chr3:62,399,465, C>T on the plus strand (G>A on the coding strand, the complement: CADPS is on the minus strand). VCF-style: chr3-62399465-C-T. GRCh37 (hg19) VCF-style: chr3-62385140-C-T.
Other names: c.3766G>A, p.Gly1256Arg (NM_183393.3); c.3886G>A, p.Gly1296Arg (NM_183394.3); short protein forms G1256R, G1296R, G1335R.
Identifiers: ClinVar variation 3347276 (VCV003347276.1).
Genomic context (GRCh38, chr3:62,399,465, plus strand): 5'-TCTAATCGTCTTCTTCGTCTTCCTCATCGCTGTCCTTCATGCTGATGCCCTGCAGTCCCC[C>T]ACCTTCACTCACTGATGCTGTGGCTTCCTCCACAGTGAGACGGTTCCGGATCGTTTCATA-3'
Protein context (NP_003707.2, residues 1325-1345): EEATASVSEG[Gly1335Arg]GLQGISMKDS

ClinVar aggregate classification (germline): Uncertain significance (0 of 4 stars; one submission).

Conditions:
CADPS-related disorder. Also called: CADPS-related condition.

Submission:

PreventionGenetics, part of Exact Sciences
Classification: Uncertain significance for CADPS-related condition. Last evaluated: 2024-08-15. Review status: no assertion criteria provided. Collection method: clinical testing. Allele origin: germline.
Comment: The CADPS c.4003G>A variant is predicted to result in the amino acid substitution p.Gly1335Arg. To our knowledge, this variant has not been reported in the literature or in a large population database, indicating this variant is rare. At this time, the clinical significance of this variant is uncertain due to the absence of conclusive functional and genetic evidence.